The following is an entry in ClinVar:

ClinVar aggregate classification (germline): Likely pathogenic (1 of 4 stars; one submission).

gnomAD v4.1: 2 of 1,614,092 alleles (0.00012%); highest among the groups gnomAD compares: Non-Finnish European, 0.00017%; no homozygotes.

Submission:

GeneDx
Classification: Likely pathogenic. Last evaluated: 2025-08-03. Review status: criteria provided, single submitter. Criteria: GeneDx Variant Classification Process June 2021. Collection method: clinical testing. Allele origin: germline. Affected: yes.
Comment: Not observed at significant frequency in large population cohorts (gnomAD); In silico analysis supports that this missense variant has a deleterious effect on protein structure/function; Has not been previously published as pathogenic or benign to our knowledge

NM_001375380.1(EBF3):c.935G>A (p.Arg312Gln)

Genes: EBF3 (EBF transcription factor 3; minus strand), EBF3-AS1 (EBF3 antisense RNA 1; plus strand). Cytogenetic location: 10q26.3.
Variant type: single nucleotide variant.
Coding change: c.935G>A on transcript NM_001375380.1 (MANE Select); coding-DNA position 935, G replaced by A.
Protein change: p.Arg312Gln; replaces arginine 312 with glutamine.
Molecular consequence: missense variant.
Genome position (GRCh38, 1-based): chr10:129,867,245, C>T on the plus strand (G>A on the coding strand, the complement: EBF3 is on the minus strand). VCF-style: chr10-129867245-C-T. GRCh37 (hg19) VCF-style: chr10-131665509-C-T.
Other names: c.908G>A, p.Arg303Gln (NM_001005463.3, NM_001375390.1, NM_001375392.1); c.935G>A, p.Arg312Gln (NM_001375379.1, NM_001375389.1, NM_001375391.1); short protein forms R303Q, R312Q.
Identifiers: ClinVar variation 4755839 (VCV004755839.1).
Genomic context (GRCh38, chr10:129,867,245, plus strand): 5'-GATTTGTAGGAGAGGGTCACTTCGACGACGCCAGGAATGTGCCTCGGCGGGGTCTGGACT[C>T]GGATGGCATGGGGAGTTATCAGCTACAAAAACCACACGGTGAACAGGCGCTCAGCGGCGC-3'
Protein context (NP_001362309.1, residues 302-322): WSELITPHAI[Arg312Gln]VQTPPRHIPG